The following is an entry in ClinVar:

NM_004329.3(BMPR1A):c.581A>G (p.Glu194Gly)

Gene: BMPR1A (bone morphogenetic protein receptor type 1A; plus strand). Cytogenetic location: 10q23.2.
Variant type: single nucleotide variant.
Coding change: c.581A>G on transcript NM_004329.3 (MANE Select); coding-DNA position 581, A replaced by G.
Protein change: p.Glu194Gly; replaces glutamic acid 194 with glycine.
Molecular consequence: missense variant.
Genome position (GRCh38, 1-based): chr10:86,912,290, A>G. VCF-style: chr10-86912290-A-G. GRCh37 (hg19) VCF-style: chr10-88672047-A-G.
Other names: short protein forms E194G.
Identifiers: ClinVar variation 927514 (VCV000927514.7), dbSNP rs1843502521, ClinGen allele CA377454538.

ClinVar aggregate classification (germline): Uncertain significance. Review status: criteria provided, multiple submitters, no conflicts (2 of 4 stars). 2 submissions from 2 submitters: Uncertain significance (2). Last evaluated 2024-03-06.

Conditions:
Juvenile polyposis syndrome (JPS). Identifiers: Orphanet 2929, MedGen C0345893, MONDO:0017380, OMIM 174900.
Hereditary cancer-predisposing syndrome. Also called: Tumor predisposition; Hereditary neoplastic syndrome; Neoplastic Syndromes, Hereditary; Hereditary Cancer Syndrome. Identifiers: Orphanet 140162, MedGen C0027672, MeSH D009386, MONDO:0015356.

Submissions (2):

Color Diagnostics, LLC DBA Color Health
Classification: Uncertain significance for Hereditary cancer-predisposing syndrome. Last evaluated: 2024-03-06. Review status: criteria provided, single submitter. Criteria: ACMG Guidelines, 2015. Collection method: clinical testing. Allele origin: germline.
Comment: This missense variant replaces glutamic acid with glycine at codon 194 of the BMPR1A protein. Computational prediction tool suggests that this variant may not impact protein structure and function (internally defined REVEL score threshold <=0.5, PMID: 27666373). Splice site prediction tools suggest that this variant may not impact RNA splicing. To our knowledge, functional studies have not been performed for this variant. This variant has not been reported in individuals affected with hereditary cancer in the literature. This variant has not been identified in the general population by the Genome Aggregation Database (gnomAD). The available evidence is insufficient to determine the role of this variant in disease conclusively. Therefore, this variant is classified as a Variant of Uncertain Significance.

Labcorp Genetics (formerly Invitae), Labcorp
Classification: Uncertain significance for Juvenile polyposis syndrome. Last evaluated: 2023-11-27. Review status: criteria provided, single submitter. Criteria: Invitae Variant Classification Sherloc (09022015). Collection method: clinical testing. Allele origin: germline.
Comment: This sequence change replaces glutamic acid, which is acidic and polar, with glycine, which is neutral and non-polar, at codon 194 of the BMPR1A protein (p.Glu194Gly). This variant is not present in population databases (gnomAD no frequency). This variant has not been reported in the literature in individuals affected with BMPR1A-related conditions. ClinVar contains an entry for this variant (Variation ID: 927514). Advanced modeling of protein sequence and biophysical properties (such as structural, functional, and spatial information, amino acid conservation, physicochemical variation, residue mobility, and thermodynamic stability) performed at Invitae indicates that this missense variant is not expected to disrupt BMPR1A protein function with a negative predictive value of 80%. In summary, the available evidence is currently insufficient to determine the role of this variant in disease. Therefore, it has been classified as a Variant of Uncertain Significance.